The following is an entry in ClinVar:

NM_000375.3(UROS):c.663T>C (p.Phe221=)

Gene: UROS (uroporphyrinogen III synthase; minus strand). Cytogenetic location: 10q26.2.
Variant type: single nucleotide variant.
Coding change: c.663T>C on transcript NM_000375.3 (MANE Select); coding-DNA position 663, T replaced by C.
Protein change: p.Phe221=; no amino-acid change (phenylalanine 221 retained).
Molecular consequence: synonymous variant. On other transcripts: non-coding transcript variant (3).
Genome position (GRCh38, 1-based): chr10:125,789,003, A>G on the plus strand (T>C on the coding strand, the complement: UROS is on the minus strand). VCF-style: chr10-125789003-A-G. GRCh37 (hg19) VCF-style: chr10-127477572-A-G.
Other names: c.663T>C, p.Phe221= (NM_001324037.2); c.582T>C, p.Phe194= (NM_001324038.2); c.744T>C, p.Phe248= (NM_001324036.2).
Identifiers: ClinVar variation 743521 (VCV000743521.10), dbSNP rs146879054, ClinGen allele CA5738333.

ClinVar aggregate classification (germline): Benign. Review status: criteria provided, single submitter (1 of 4 stars). 2 submissions from 2 submitters: Benign (1). 1 of the submissions does not count toward it. Last evaluated 2024-06-03.

Conditions:
UROS-related disorder. Also called: UROS-related condition.

Allele frequency attached by ClinVar (database versions not stated): gnomAD 0.00133 and 0.00139; TOPMed 0.00150; ExAC 0.00043; ESP Exome Variant Server 0.00101; 1000 Genomes Project 0.00160; 1000 Genomes Project 30x 0.00219; gnomAD exomes 0.00011 and 0.00033.
gnomAD v4.1: 374 of 1,612,904 alleles (0.023%); highest among the groups gnomAD compares: African/African-American, 0.43%; 1 homozygote.

Submissions (2):

Labcorp Genetics (formerly Invitae), Labcorp
Classification: Benign. Last evaluated: 2024-06-03. Review status: criteria provided, single submitter. Criteria: Invitae Variant Classification Sherloc (09022015). Collection method: clinical testing. Allele origin: germline.

PreventionGenetics, part of Exact Sciences
Classification: Likely benign for UROS-related condition. Last evaluated: 2019-07-17. Review status: no assertion criteria provided. Collection method: clinical testing. Allele origin: germline. Not counted in ClinVar's aggregate classification.
Comment: This variant is classified as likely benign based on ACMG/AMP sequence variant interpretation guidelines (Richards et al. 2015 PMID: 25741868, with internal and published modifications).